The following is an entry in ClinVar:

NM_144596.4(TTC8):c.84G>A (p.Thr28=)

Gene: TTC8 (tetratricopeptide repeat domain 8; plus strand). Cytogenetic location: 14q31.3.
Variant type: single nucleotide variant.
Coding change: c.84G>A on transcript NM_144596.4 (MANE Select); coding-DNA position 84, G replaced by A.
Protein change: p.Thr28=; no amino-acid change (threonine 28 retained).
Molecular consequence: synonymous variant. On other transcripts: 5 prime UTR variant (2), non-coding transcript variant (1).
Genome position (GRCh38, 1-based): chr14:88,824,791, G>A. VCF-style: chr14-88824791-G-A. GRCh37 (hg19) VCF-style: chr14-89291135-G-A.
Other names: c.84G>A, p.Thr28= (NM_001288781.1, NM_001366535.2, NM_001366536.2 and 2 more transcripts); c.-479G>A (NM_001288782.1); c.-574G>A (NM_001288783.1); c.84G>A (NM_144596.3).
Identifiers: ClinVar variation 1120930 (VCV001120930.10), dbSNP rs1390636663, ClinGen allele CA487518378.

ClinVar aggregate classification (germline): Likely benign. Review status: criteria provided, single submitter (1 of 4 stars). 2 submissions from 2 submitters: Likely benign (1). 1 of the submissions does not count toward it. Last evaluated 2023-11-13.

Conditions:
Bardet-Biedl syndrome (BBS). Identifiers: Orphanet 110, MedGen C0752166, MONDO:0015229.
TTC8-related disorder. Also called: TTC8-related condition.

Allele frequency attached by ClinVar (database versions not stated): gnomAD exomes below 0.00001; gnomAD 0.00001.
gnomAD v4.1: 3 of 1,613,288 alleles (0.00019%); highest among the groups gnomAD compares: Non-Finnish European, 0.00025%; no homozygotes.

Submissions (2):

Labcorp Genetics (formerly Invitae), Labcorp
Classification: Likely benign for Bardet-Biedl syndrome. Last evaluated: 2023-11-13. Review status: criteria provided, single submitter. Criteria: Invitae Variant Classification Sherloc (09022015). Collection method: clinical testing. Allele origin: germline.

PreventionGenetics, part of Exact Sciences
Classification: Likely benign for TTC8-related condition. Last evaluated: 2023-11-14. Review status: no assertion criteria provided. Collection method: clinical testing. Allele origin: germline. Not counted in ClinVar's aggregate classification.
Comment: This variant is classified as likely benign based on ACMG/AMP sequence variant interpretation guidelines (Richards et al. 2015 PMID: 25741868, with internal and published modifications).